The following is an entry in ClinVar:

ClinVar aggregate classification (germline): Uncertain significance (1 of 4 stars; one submission).

Conditions:
DICER1-related tumor predisposition. Also called: DICER1 syndrome; DICER1-related pleuropulmonary blastoma cancer predisposition syndrome. Identifiers: Orphanet 284343, MedGen C3839822, MONDO:0100216.

Submission:

Labcorp Genetics (formerly Invitae), Labcorp
Classification: Uncertain significance for DICER1-related tumor predisposition. Last evaluated: 2019-02-11. Review status: criteria provided, single submitter. Criteria: Invitae Variant Classification Sherloc (09022015). Collection method: clinical testing. Allele origin: germline.
Comment: In summary, the available evidence is currently insufficient to determine the role of this variant in disease. Therefore, it has been classified as a Variant of Uncertain Significance. Algorithms developed to predict the effect of missense changes on protein structure and function output the following: SIFT: "Tolerated"; PolyPhen-2: "Benign"; Align-GVGD: "Class C0". The valine amino acid residue is found in multiple mammalian species, suggesting that this missense change does not adversely affect protein function. These predictions have not been confirmed by published functional studies and their clinical significance is uncertain. This variant has not been reported in the literature in individuals with DICER1-related conditions. This variant is not present in population databases (ExAC no frequency). This sequence change replaces methionine with valine at codon 272 of the DICER1 protein (p.Met272Val). The methionine residue is weakly conserved and there is a small physicochemical difference between methionine and valine.

NM_177438.3(DICER1):c.814A>G (p.Met272Val)

Gene: DICER1 (dicer 1, ribonuclease III; minus strand). Cytogenetic location: 14q32.13.
Variant type: single nucleotide variant.
Coding change: c.814A>G on transcript NM_177438.3 (MANE Select); coding-DNA position 814, A replaced by G.
Protein change: p.Met272Val; replaces methionine 272 with valine.
Molecular consequence: missense variant.
Genome position (GRCh38, 1-based): chr14:95,126,669, T>C on the plus strand (A>G on the coding strand, the complement: DICER1 is on the minus strand). VCF-style: chr14-95126669-T-C. GRCh37 (hg19) VCF-style: chr14-95593006-T-C.
Other names: c.814A>G, p.Met272Val (NM_001195573.1, NM_001271282.3, NM_001291628.2 and 1 more transcripts); short protein forms M272V.
Identifiers: ClinVar variation 852947 (VCV000852947.11), dbSNP rs1893488163, ClinGen allele CA390887677.